The following is an entry in ClinVar:

NM_000245.4(MET):c.2550C>T (p.Ile850=)

Gene: MET (MET proto-oncogene, receptor tyrosine kinase; plus strand). Cytogenetic location: 7q31.2.
Variant type: single nucleotide variant.
Coding change: c.2550C>T on transcript NM_000245.4 (MANE Select); coding-DNA position 2550, C replaced by T.
Protein change: p.Ile850=; no amino-acid change (isoleucine 850 retained).
Molecular consequence: synonymous variant.
Genome position (GRCh38, 1-based): chr7:116,763,235, C>T. VCF-style: chr7-116763235-C-T. GRCh37 (hg19) VCF-style: chr7-116403289-C-T.
Other names: c.2604C>T, p.Ile868= (NM_001127500.3); c.2550C>T, p.Ile850= (NM_001324401.3); c.1260C>T, p.Ile420= (NM_001324402.2).
Identifiers: ClinVar variation 1594928 (VCV001594928.9), dbSNP rs1424567821, ClinGen allele CA457441573.

ClinVar aggregate classification (germline): Benign/Likely benign. Review status: criteria provided, multiple submitters, no conflicts (2 of 4 stars). 2 submissions from 2 submitters: Benign (1); Likely benign (1). Last evaluated 2024-11-11.

Conditions:
Renal cell carcinoma. Identifiers: Orphanet 217071, MedGen C0007134, MeSH D002292, MONDO:0005086, HP:0005584.
Papillary renal cell carcinoma type 1 (RCCP1). Also called: RENAL CELL CARCINOMA, PAPILLARY, 1, SOMATIC; Renal adenocarcinoma; Renal cell carcinoma 1; Renal cell carcinoma, somatic. Identifiers: Orphanet 47044, MedGen C1336839, OMIM 605074, HP:0011797.

Allele frequency attached by ClinVar (database versions not stated): gnomAD exomes below 0.00001.
gnomAD v4.1: 1 of 1,613,890 alleles (0.000062%); highest among the groups gnomAD compares: South Asian, 0.0011%; no homozygotes.

Submissions (2):

Myriad Genetics, Inc.
Classification: Benign for Papillary renal cell carcinoma type 1. Last evaluated: 2024-11-11. Review status: criteria provided, single submitter. Criteria: Myriad Autosomal Dominant, Autosomal Recessive and X-Linked Classification Criteria (2023). Collection method: clinical testing. Allele origin: unknown.
Comment: This variant is considered benign. This variant is a silent/synonymous amino acid change and it is not expected to impact splicing.

Labcorp Genetics (formerly Invitae), Labcorp
Classification: Likely benign for Renal cell carcinoma. Last evaluated: 2021-04-09. Review status: criteria provided, single submitter. Criteria: Invitae Variant Classification Sherloc (09022015). Collection method: clinical testing. Allele origin: germline.